The following is an entry in ClinVar:

ClinVar aggregate classification (germline): Uncertain significance (1 of 4 stars; one submission).

Conditions:
Hypertrophic cardiomyopathy. Also called: HYPERTROPHIC MYOCARDIOPATHY. Identifiers: Orphanet 217569, MedGen C0007194, MeSH D002312, MONDO:0005045, HP:0001639.

Submission:

Labcorp Genetics (formerly Invitae), Labcorp
Classification: Uncertain significance for Hypertrophic cardiomyopathy. Last evaluated: 2023-07-18. Review status: criteria provided, single submitter. Criteria: Invitae Variant Classification Sherloc (09022015). Collection method: clinical testing. Allele origin: germline.
Comment: In summary, the available evidence is currently insufficient to determine the role of this variant in disease. Therefore, it has been classified as a Variant of Uncertain Significance. Advanced modeling of protein sequence and biophysical properties (such as structural, functional, and spatial information, amino acid conservation, physicochemical variation, residue mobility, and thermodynamic stability) performed at Invitae indicates that this missense variant is expected to disrupt MYH7 protein function. This variant has not been reported in the literature in individuals affected with MYH7-related conditions. This variant is not present in population databases (gnomAD no frequency). This sequence change replaces proline, which is neutral and non-polar, with alanine, which is neutral and non-polar, at codon 566 of the MYH7 protein (p.Pro566Ala).

NM_000257.4(MYH7):c.1696C>G (p.Pro566Ala)

Gene: MYH7 (myosin heavy chain 7; minus strand). Cytogenetic location: 14q11.2.
Variant type: single nucleotide variant.
Coding change: c.1696C>G on transcript NM_000257.4 (MANE Select); coding-DNA position 1696, C replaced by G.
Protein change: p.Pro566Ala; replaces proline 566 with alanine.
Molecular consequence: missense variant.
Genome position (GRCh38, 1-based): chr14:23,427,777, G>C on the plus strand (C>G on the coding strand, the complement: MYH7 is on the minus strand). VCF-style: chr14-23427777-G-C. GRCh37 (hg19) VCF-style: chr14-23896986-G-C.
Other names: c.1696C>G, p.Pro566Ala (NM_001407004.1); short protein forms P566A.
Identifiers: ClinVar variation 3015244 (VCV003015244.3), dbSNP rs2502297190, ClinGen allele CA389050010.